The following is an entry in ClinVar:

NM_000016.6(ACADM):c.1194+6G>A

Gene: ACADM (acyl-CoA dehydrogenase medium chain; plus strand). Cytogenetic location: 1p31.1.
Variant type: single nucleotide variant.
Coding change: c.1194+6G>A on transcript NM_000016.6 (MANE Select); 6 bases into the intron after coding-DNA position 1194, G replaced by A.
Molecular consequence: intron variant.
Genome position (GRCh38, 1-based): chr1:75,761,376, G>A. VCF-style: chr1-75761376-G-A. GRCh37 (hg19) VCF-style: chr1-76227061-G-A.
Other names: c.1206+6G>A (NM_001127328.3); c.1293+6G>A (NM_001286043.2); c.1086+6G>A (NM_001286042.2); c.627+6G>A (NM_001286044.2).
Identifiers: ClinVar variation 2089824 (VCV002089824.1), dbSNP rs1557467113, ClinGen allele CA1176726897.

ClinVar aggregate classification (germline): Uncertain significance (1 of 4 stars; one submission).

Conditions:
Medium-chain acyl-coenzyme A dehydrogenase deficiency (ACADMD). Also called: MCAD Deficiency; ACADM DEFICIENCY; MCADH DEFICIENCY; MCADD; CARNITINE DEFICIENCY SECONDARY TO MEDIUM-CHAIN ACYL-CoA DEHYDROGENASE DEFICIENCY; Medium chain acyl-CoA dehydrogenase deficiency. Identifiers: Orphanet 42, MedGen C0220710, MONDO:0008721, OMIM 201450.

gnomAD v4.1: 2 of 1,613,634 alleles (0.00012%); highest among the groups gnomAD compares: Non-Finnish European, 0.00017%; no homozygotes.

Submission:

Labcorp Genetics (formerly Invitae), Labcorp
Classification: Uncertain significance for Medium-chain acyl-coenzyme A dehydrogenase deficiency. Last evaluated: 2022-01-26. Review status: criteria provided, single submitter. Criteria: Invitae Variant Classification Sherloc (09022015). Collection method: clinical testing. Allele origin: germline.
Comment: This sequence change falls in intron 11 of the ACADM gene. It does not directly change the encoded amino acid sequence of the ACADM protein. It affects a nucleotide within the consensus splice site. This variant is not present in population databases (gnomAD no frequency). This variant has not been reported in the literature in individuals affected with ACADM-related conditions. Variants that disrupt the consensus splice site are a relatively common cause of aberrant splicing (PMID: 17576681, 9536098). Algorithms developed to predict the effect of sequence changes on RNA splicing suggest that this variant is not likely to affect RNA splicing. In summary, the available evidence is currently insufficient to determine the role of this variant in disease. Therefore, it has been classified as a Variant of Uncertain Significance.

Literature cited by the submitters: PubMed 17576681; PubMed 9536098.